The following is an entry in ClinVar:

ClinVar aggregate classification (germline): Uncertain significance (1 of 4 stars; one submission).

Allele frequency attached by ClinVar (database versions not stated): ExAC 0.00002; TOPMed 0.00003.
gnomAD v4.1: 38 of 1,613,936 alleles (0.0024%); highest among the groups gnomAD compares: Non-Finnish European, 0.0031%; no homozygotes.

Submission:

Labcorp Genetics (formerly Invitae), Labcorp
Classification: Uncertain significance. Last evaluated: 2025-12-30. Review status: criteria provided, single submitter. Criteria: Invitae Variant Classification Sherloc (09022015). Collection method: clinical testing. Allele origin: germline.
Comment: This sequence change replaces threonine, which is neutral and polar, with isoleucine, which is neutral and non-polar, at codon 782 of the TBCK protein (p.Thr782Ile). This variant is present in population databases (rs764030502, gnomAD 0.004%). This variant has not been reported in the literature in individuals affected with TBCK-related conditions. ClinVar contains an entry for this variant (Variation ID: 1951107). An algorithm developed to predict the effect of missense changes on protein structure and function (PolyPhen-2) suggests that this variant is likely to be tolerated. In summary, the available evidence is currently insufficient to determine the role of this variant in disease. Therefore, it has been classified as a Variant of Uncertain Significance.

NM_001163435.3(TBCK):c.2345C>T (p.Thr782Ile)

Gene: TBCK (TBC1 domain containing kinase; minus strand). Cytogenetic location: 4q24.
Variant type: single nucleotide variant.
Coding change: c.2345C>T on transcript NM_001163435.3 (MANE Select); coding-DNA position 2345, C replaced by T.
Protein change: p.Thr782Ile; replaces threonine 782 with isoleucine.
Molecular consequence: missense variant.
Genome position (GRCh38, 1-based): chr4:106,116,269, G>A on the plus strand (C>T on the coding strand, the complement: TBCK is on the minus strand). VCF-style: chr4-106116269-G-A. GRCh37 (hg19) VCF-style: chr4-107037426-G-A.
Other names: c.2345C>T, p.Thr782Ile (NM_001163436.4); c.2228C>T, p.Thr743Ile (NM_001163437.3); c.1829C>T, p.Thr610Ile (NM_001290768.2); c.2156C>T, p.Thr719Ile (NM_033115.5); short protein forms T719I, T782I, T610I, T743I.
Identifiers: ClinVar variation 1951107 (VCV001951107.3), dbSNP rs764030502, ClinGen allele CA3034731.